The following is an entry in ClinVar:

ClinVar aggregate classification (germline): Uncertain significance (1 of 4 stars; one submission).

Submission:

Labcorp Genetics (formerly Invitae), Labcorp
Classification: Uncertain significance. Last evaluated: 2025-03-29. Review status: criteria provided, single submitter. Criteria: Invitae Variant Classification Sherloc (09022015). Collection method: clinical testing. Allele origin: germline.
Comment: This sequence change replaces arginine, which is basic and polar, with tryptophan, which is neutral and slightly polar, at codon 197 of the RHOBTB2 protein (p.Arg197Trp). This variant is not present in population databases (gnomAD no frequency). This variant has not been reported in the literature in individuals affected with RHOBTB2-related conditions. Invitae Evidence Modeling of protein sequence and biophysical properties (such as structural, functional, and spatial information, amino acid conservation, physicochemical variation, residue mobility, and thermodynamic stability) indicates that this missense variant is not expected to disrupt RHOBTB2 protein function with a negative predictive value of 80%. In summary, the available evidence is currently insufficient to determine the role of this variant in disease. Therefore, it has been classified as a Variant of Uncertain Significance.

NM_015178.3(RHOBTB2):c.523C>T (p.Arg175Trp)

Gene: RHOBTB2 (Rho related BTB domain containing 2; plus strand). Cytogenetic location: 8p21.3.
Variant type: single nucleotide variant.
Coding change: c.523C>T on transcript NM_015178.3 (MANE Select); coding-DNA position 523, C replaced by T.
Protein change: p.Arg175Trp; replaces arginine 175 with tryptophan.
Molecular consequence: missense variant.
Genome position (GRCh38, 1-based): chr8:23,006,768, C>T. VCF-style: chr8-23006768-C-T. GRCh37 (hg19) VCF-style: chr8-22864281-C-T.
Other names: c.589C>T, p.Arg197Trp (NM_001160036.2); c.544C>T, p.Arg182Trp (NM_001160037.2); c.523C>T, p.Arg175Trp (NM_001374791.1); short protein forms R175W, R182W, R197W.
Identifiers: ClinVar variation 4811458 (VCV004811458.1).
Genomic context (GRCh38, chr8:23,006,768, plus strand): 5'-TTCCTTCTTGAACCTACCAGGCCCATCAAACCTAATGAAATCCTGCCCCCAGAGAAGGGT[C>T]GGGAGGTGGCCAAGGAGCTGGGCATCCCCTACTATGAGACCAGCGTGGTGGCCCAGTTCG-3'
Protein context (NP_055993.2, residues 165-185): PNEILPPEKG[Arg175Trp]EVAKELGIPY